The following is an entry in ClinVar:

NM_032608.7(MYO18B):c.5618G>A (p.Arg1873Gln)

Gene: MYO18B (myosin XVIIIB; plus strand). Cytogenetic location: 22q12.1.
Variant type: single nucleotide variant.
Coding change: c.5618G>A on transcript NM_032608.7 (MANE Select); coding-DNA position 5618, G replaced by A.
Protein change: p.Arg1873Gln; replaces arginine 1873 with glutamine.
Molecular consequence: missense variant.
Genome position (GRCh38, 1-based): chr22:25,946,237, G>A. VCF-style: chr22-25946237-G-A. GRCh37 (hg19) VCF-style: chr22-26342203-G-A.
Other names: c.5621G>A, p.Arg1874Gln (NM_001318245.2); c.5618G>A (NM_032608.5); short protein forms R1874Q, R1873Q.
Identifiers: ClinVar variation 1516761 (VCV001516761.8), dbSNP rs765439956, ClinGen allele CA10161214.

ClinVar aggregate classification (germline): Uncertain significance. Review status: criteria provided, multiple submitters, no conflicts (2 of 4 stars). 2 submissions from 2 submitters: Uncertain significance (2). Last evaluated 2025-05-20.

Conditions:
Inborn genetic diseases. Identifiers: MedGen C0950123, MeSH D030342.

Allele frequency attached by ClinVar (database versions not stated): gnomAD exomes 0.00002; ExAC 0.00003; TOPMed 0.00007; 1000 Genomes Project 30x 0.00016; gnomAD 0.00004.
gnomAD v4.1: 36 of 1,574,608 alleles (0.0023%); highest among the groups gnomAD compares: Admixed American, 0.011%; no homozygotes.

Submissions (2):

Ambry Genetics
Classification: Uncertain significance for Inborn genetic diseases. Last evaluated: 2025-05-20. Review status: criteria provided, single submitter. Criteria: Ambry Variant Classification Scheme 2023. Collection method: clinical testing. Allele origin: germline.

Labcorp Genetics (formerly Invitae), Labcorp
Classification: Uncertain significance. Last evaluated: 2024-11-19. Review status: criteria provided, single submitter. Criteria: Invitae Variant Classification Sherloc (09022015). Collection method: clinical testing. Allele origin: germline.
Comment: This sequence change replaces arginine, which is basic and polar, with glutamine, which is neutral and polar, at codon 1873 of the MYO18B protein (p.Arg1873Gln). The frequency data for this variant in the population databases is considered unreliable, as metrics indicate poor data quality at this position in the gnomAD database. This variant has not been reported in the literature in individuals affected with MYO18B-related conditions. ClinVar contains an entry for this variant (Variation ID: 1516761). An algorithm developed to predict the effect of missense changes on protein structure and function (PolyPhen-2) suggests that this variant¬†is likely to be tolerated. In summary, the available evidence is currently insufficient to determine the role of this variant in disease. Therefore, it has been classified as a Variant of Uncertain Significance.